The following is an entry in ClinVar:

NM_001271938.2(MEGF8):c.3846C>T (p.Val1282=)

Gene: MEGF8 (multiple EGF like domains 8; plus strand). Cytogenetic location: 19q13.2.
Variant type: single nucleotide variant.
Coding change: c.3846C>T on transcript NM_001271938.2 (MANE Select); coding-DNA position 3846, C replaced by T.
Protein change: p.Val1282=; no amino-acid change (valine 1282 retained).
Molecular consequence: synonymous variant.
Genome position (GRCh38, 1-based): chr19:42,353,859, C>T. VCF-style: chr19-42353859-C-T. GRCh37 (hg19) VCF-style: chr19-42858011-C-T.
Other names: c.3645C>T, p.Val1215= (NM_001410.3); c.3645C>T (NM_001410.2).
Identifiers: ClinVar variation 1572060 (VCV001572060.10), dbSNP rs142473307, ClinGen allele CA9475107.

ClinVar aggregate classification (germline): Likely benign. Review status: criteria provided, single submitter (1 of 4 stars). 2 submissions from 2 submitters: Likely benign (1). 1 of the submissions does not count toward it. Last evaluated 2025-06-12.

Conditions:
MEGF8-related Carpenter syndrome. Also called: Carpenter syndrome 2. Identifiers: Orphanet 65759, MedGen C3554247, MONDO:0013998, OMIM 614976.
MEGF8-related disorder. Also called: MEGF8-related condition.

Allele frequency attached by ClinVar (database versions not stated): gnomAD exomes 0.00003 and 0.00007; ExAC 0.00006; ESP Exome Variant Server 0.00008.
gnomAD v4.1: 57 of 1,603,628 alleles (0.0036%); highest among the groups gnomAD compares: Admixed American, 0.033%; no homozygotes.

Submissions (2):

Labcorp Genetics (formerly Invitae), Labcorp
Classification: Likely benign for MEGF8-related Carpenter syndrome. Last evaluated: 2025-06-12. Review status: criteria provided, single submitter. Criteria: Invitae Variant Classification Sherloc (09022015). Collection method: clinical testing. Allele origin: germline.

PreventionGenetics, part of Exact Sciences
Classification: Likely benign for MEGF8-related condition. Last evaluated: 2019-12-05. Review status: no assertion criteria provided. Collection method: clinical testing. Allele origin: germline. Not counted in ClinVar's aggregate classification.
Comment: This variant is classified as likely benign based on ACMG/AMP sequence variant interpretation guidelines (Richards et al. 2015 PMID: 25741868, with internal and published modifications).